The following is an entry in ClinVar:

ClinVar aggregate classification (germline): Uncertain significance (1 of 4 stars; one submission).

Conditions:
Hereditary cancer-predisposing syndrome. Also called: Tumor predisposition; Neoplastic Syndromes, Hereditary; Hereditary neoplastic syndrome; Hereditary Cancer Syndrome. Identifiers: Orphanet 140162, MedGen C0027672, MeSH D009386, MONDO:0015356.

gnomAD v4.1: 1 of 1,613,896 alleles (0.000062%); highest among the groups gnomAD compares: Non-Finnish European, 0.000085%; no homozygotes.

Submission:

Ambry Genetics
Classification: Uncertain significance for Hereditary cancer-predisposing syndrome. Last evaluated: 2025-06-26. Review status: criteria provided, single submitter. Criteria: Ambry Variant Classification Scheme 2023. Collection method: clinical testing. Allele origin: germline.
Comment: The p.Y1111C variant (also known as c.3332A>G), located in coding exon 15 of the MET gene, results from an A to G substitution at nucleotide position 3332. The tyrosine at codon 1111 is replaced by cysteine, an amino acid with highly dissimilar properties. This amino acid position is conserved. In addition, the in silico prediction for this alteration is inconclusive. Based on the available evidence, the clinical significance of this variant remains unclear.

NM_000245.4(MET):c.3278A>G (p.Tyr1093Cys)

Gene: MET (MET proto-oncogene, receptor tyrosine kinase; plus strand). Cytogenetic location: 7q31.2.
Variant type: single nucleotide variant.
Coding change: c.3278A>G on transcript NM_000245.4 (MANE Select); coding-DNA position 3278, A replaced by G.
Protein change: p.Tyr1093Cys; replaces tyrosine 1093 with cysteine.
Molecular consequence: missense variant.
Genome position (GRCh38, 1-based): chr7:116,777,407, A>G. VCF-style: chr7-116777407-A-G. GRCh37 (hg19) VCF-style: chr7-116417461-A-G.
Other names: c.1988A>G, p.Tyr663Cys (NM_001324402.2); c.3332A>G, p.Tyr1111Cys (NM_001127500.3); short protein forms Y1111C, Y663C, Y1093C.
Identifiers: ClinVar variation 4106742 (VCV004106742.1).